The following is an entry in ClinVar:

NM_000548.5(TSC2):c.563G>T (p.Ser188Ile)

Gene: TSC2 (TSC complex subunit 2; plus strand). Cytogenetic location: 16p13.3.
Variant type: single nucleotide variant.
Coding change: c.563G>T on transcript NM_000548.5 (MANE Select); coding-DNA position 563, G replaced by T.
Protein change: p.Ser188Ile; replaces serine 188 with isoleucine.
Molecular consequence: missense variant. On other transcripts: 5 prime UTR variant (13), non-coding transcript variant (5), intron variant (6).
Genome position (GRCh38, 1-based): chr16:2,055,483, G>T. VCF-style: chr16-2055483-G-T. GRCh37 (hg19) VCF-style: chr16-2105484-G-T.
Other names: c.452G>T, p.Ser151Ile (NM_001406678.1, NM_001318827.2, NM_001406670.1); c.416G>T, p.Ser139Ile (NM_001406679.1, NM_001318829.2, NM_001406675.1 and 1 more transcripts); c.-254G>T (NM_001406680.1, NM_001406683.1, NM_001406687.1); c.101G>T, p.Ser34Ile (NM_001406681.1); c.-869G>T (NM_001406689.1, NM_001406690.1, NM_001406691.1 and 2 more transcripts); c.-1085G>T (NM_001406693.1); c.-750G>T (NM_001406694.1, NM_001406695.1); c.-857G>T (NM_001406696.1); and 6 more; short protein forms S139I, S188I, S199I, S169I, S218I, S151I, S34I.
Identifiers: ClinVar variation 3974657 (VCV003974657.1).

ClinVar aggregate classification (germline): Uncertain significance (1 of 4 stars; one submission).

Conditions:
Hereditary cancer-predisposing syndrome. Also called: Tumor predisposition; Hereditary neoplastic syndrome; Hereditary Cancer Syndrome; Neoplastic Syndromes, Hereditary. Identifiers: Orphanet 140162, MedGen C0027672, MeSH D009386, MONDO:0015356.

Submission:

Ambry Genetics
Classification: Uncertain significance for Hereditary cancer-predisposing syndrome. Last evaluated: 2025-04-17. Review status: criteria provided, single submitter. Criteria: Ambry Variant Classification Scheme 2023. Collection method: clinical testing. Allele origin: germline.
Comment: The p.S188I variant (also known as c.563G>T), located in coding exon 5 of the TSC2 gene, results from a G to T substitution at nucleotide position 563. The serine at codon 188 is replaced by isoleucine, an amino acid with dissimilar properties. This amino acid position is conserved. In addition, this alteration is predicted to be deleterious by in silico analysis. Based on the available evidence, the clinical significance of this variant remains unclear.